The following is an entry in ClinVar:

NM_005908.4(MANBA):c.908T>A (p.Met303Lys)

Gene: MANBA (mannosidase beta; minus strand). Cytogenetic location: 4q24.
Variant type: single nucleotide variant.
Coding change: c.908T>A on transcript NM_005908.4 (MANE Select); coding-DNA position 908, T replaced by A.
Protein change: p.Met303Lys; replaces methionine 303 with lysine.
Molecular consequence: missense variant.
Genome position (GRCh38, 1-based): chr4:102,689,626, A>T on the plus strand (T>A on the coding strand, the complement: MANBA is on the minus strand). VCF-style: chr4-102689626-A-T. GRCh37 (hg19) VCF-style: chr4-103610783-A-T.
Other names: c.908T>A (NM_005908.3); short protein forms M303K.
Identifiers: ClinVar variation 1433958 (VCV001433958.6), dbSNP rs1171801333, ClinGen allele CA357768904.

ClinVar aggregate classification (germline): Uncertain significance. Review status: criteria provided, multiple submitters, no conflicts (2 of 4 stars). 2 submissions from 2 submitters: Uncertain significance (2). Last evaluated 2025-08-05.

Conditions:
Inborn genetic diseases. Identifiers: MedGen C0950123, MeSH D030342.
Beta-D-mannosidosis (MANSB). Also called: MANNOSIDOSIS, BETA A, LYSOSOMAL; BETA-MANNOSIDASE DEFICIENCY; LYSOSOMAL BETA-MANNOSIDASE DEFICIENCY; Beta-Mannosidosis. Identifiers: Orphanet 118, MedGen C4048196, MONDO:0009562, OMIM 248510.

Allele frequency attached by ClinVar (database versions not stated): gnomAD exomes below 0.00001.
gnomAD v4.1: 13 of 1,611,654 alleles (0.00081%); highest among the groups gnomAD compares: Non-Finnish European, 0.0011%; no homozygotes.

Submissions (2):

Ambry Genetics
Classification: Uncertain significance for Inborn genetic diseases. Last evaluated: 2025-08-05. Review status: criteria provided, single submitter. Criteria: Ambry Variant Classification Scheme 2023. Collection method: clinical testing. Allele origin: germline.

Labcorp Genetics (formerly Invitae), Labcorp
Classification: Uncertain significance for Beta-D-mannosidosis. Last evaluated: 2021-09-17. Review status: criteria provided, single submitter. Criteria: Invitae Variant Classification Sherloc (09022015). Collection method: clinical testing. Allele origin: germline.
Comment: This sequence change replaces methionine with lysine at codon 303 of the MANBA protein (p.Met303Lys). The methionine residue is weakly conserved and there is a moderate physicochemical difference between methionine and lysine. This variant is not present in population databases (ExAC no frequency). This variant has not been reported in the literature in individuals with MANBA-related conditions. Algorithms developed to predict the effect of missense changes on protein structure and function are either unavailable or do not agree on the potential impact of this missense change (SIFT: "Deleterious"; PolyPhen-2: "Benign"; Align-GVGD: "Class C0"). In summary, the available evidence is currently insufficient to determine the role of this variant in disease. Therefore, it has been classified as a Variant of Uncertain Significance.